The following is an entry in ClinVar:

ClinVar aggregate classification (germline): Likely pathogenic. Review status: criteria provided, multiple submitters, no conflicts (2 of 4 stars). 2 submissions from 2 submitters: Likely pathogenic (2). Last evaluated 2024-09-08.

Conditions:
Hemochromatosis type 3 (HFE3). Also called: HEMOCHROMATOSIS DUE TO DEFECT IN TRANSFERRIN RECEPTOR 2; TFR2-Related Hemochromatosis; Hereditary hemochromatosis type 3. Identifiers: Orphanet 225123, MedGen C1858664, MONDO:0011417, OMIM 604250.

Submissions (2):

Natera, Inc.
Classification: Likely pathogenic for Hereditary hemochromatosis type 3. Last evaluated: 2024-09-08. Review status: criteria provided, single submitter. Criteria: Natera Variant Classification Schema (03/2026). Collection method: clinical testing. Allele origin: germline.
Comment: The c.1996-2A>C variant in TFR2 is a canonical splice acceptor site variant predicted to affect pre-mRNA splicing, which may result in an abnormal transcript and altered protein product. This variant is expected to result in nonsense mediated decay, truncation, or a dysfunctional protein product. This variant is rare in the general population with a frequency below the threshold expected for the associated phenotype(s). Given the available evidence, this variant is classified as Likely Pathogenic.

Revvity Omics, Revvity
Classification: Likely pathogenic for Hemochromatosis type 3. Last evaluated: 2022-10-11. Review status: criteria provided, single submitter. Criteria: ACMG Guidelines, 2015. Collection method: clinical testing. Allele origin: germline.

NM_003227.4(TFR2):c.1996-2A>C

Genes: TFR2 (transferrin receptor 2; minus strand), LOC113687175 (Sharpr-MPRA regulatory region 4647; plus strand). Cytogenetic location: 7q22.1.
Variant type: single nucleotide variant.
Coding change: c.1996-2A>C on transcript NM_003227.4 (MANE Select); the canonical splice acceptor site of the intron before coding-DNA position 1996, A replaced by C.
Molecular consequence: splice acceptor variant.
Genome position (GRCh38, 1-based): chr7:100,626,905, T>G on the plus strand (A>C on the coding strand, the complement: TFR2 is on the minus strand). VCF-style: chr7-100626905-T-G. GRCh37 (hg19) VCF-style: chr7-100224528-T-G.
Other names: c.1483-2A>C (NM_001206855.3); c.1996-2A>C (NM_003227.3).
Identifiers: ClinVar variation 2434130 (VCV002434130.4), dbSNP rs2131311231, ClinGen allele CA368523125.